The following is an entry in ClinVar:

ClinVar aggregate classification (germline): Uncertain significance. Review status: criteria provided, multiple submitters, no conflicts (2 of 4 stars). 2 submissions from 2 submitters: Uncertain significance (2). Last evaluated 2026-02-16.

Conditions:
Inborn genetic diseases. Identifiers: MedGen C0950123, MeSH D030342.

Submissions (2):

Ambry Genetics
Classification: Uncertain significance for Inborn genetic diseases. Last evaluated: 2026-02-16. Review status: criteria provided, single submitter. Criteria: Ambry Variant Classification Scheme 2023. Collection method: clinical testing. Allele origin: germline.

GeneDx
Classification: Uncertain significance. Last evaluated: 2023-07-31. Review status: criteria provided, single submitter. Criteria: GeneDx Variant Classification Process June 2021. Collection method: clinical testing. Allele origin: germline. Affected: yes.
Comment: Not observed at significant frequency in large population cohorts (gnomAD); In silico analysis supports that this missense variant does not alter protein structure/function; Has not been previously published as pathogenic or benign to our knowledge

NM_000525.4(KCNJ11):c.147C>G (p.Ile49Met)

Gene: KCNJ11 (potassium inwardly rectifying channel subfamily J member 11; minus strand). Cytogenetic location: 11p15.1.
Variant type: single nucleotide variant.
Coding change: c.147C>G on transcript NM_000525.4 (MANE Select); coding-DNA position 147, C replaced by G.
Protein change: p.Ile49Met; replaces isoleucine 49 with methionine.
Molecular consequence: missense variant. On other transcripts: intron variant (3).
Genome position (GRCh38, 1-based): chr11:17,387,945, G>C on the plus strand (C>G on the coding strand, the complement: KCNJ11 is on the minus strand). VCF-style: chr11-17387945-G-C. GRCh37 (hg19) VCF-style: chr11-17409492-G-C.
Other names: c.-16-99C>G (NM_001166290.2, NM_001377297.1); c.-17+73C>G (NM_001377296.1); short protein forms I49M.
Identifiers: ClinVar variation 3361909 (VCV003361909.2).